The following is an entry in ClinVar:

ClinVar aggregate classification (germline): Uncertain significance. Review status: criteria provided, multiple submitters, no conflicts (2 of 4 stars). 2 submissions from 2 submitters: Uncertain significance (2). Last evaluated 2025-07-14.

Conditions:
Complement component 7 deficiency (C7D). Also called: C7 DEFICIENCY. Identifiers: MedGen C1864694, MONDO:0012412, OMIM 610102.
Inborn genetic diseases. Identifiers: MedGen C0950123, MeSH D030342.

Allele frequency attached by ClinVar (database versions not stated): ExAC 0.00002; TOPMed 0.00003; ESP Exome Variant Server 0.00008.
gnomAD v4.1: 15 of 1,613,574 alleles (0.00093%); highest among the groups gnomAD compares: Non-Finnish European, 0.0012%; no homozygotes.

Submissions (2):

Labcorp Genetics (formerly Invitae), Labcorp
Classification: Uncertain significance. Last evaluated: 2025-07-14. Review status: criteria provided, single submitter. Criteria: Invitae Variant Classification Sherloc (09022015). Collection method: clinical testing. Allele origin: germline.
Comment: This sequence change replaces tyrosine, which is neutral and polar, with cysteine, which is neutral and slightly polar, at codon 33 of the C7 protein (p.Tyr33Cys). This variant is present in population databases (rs370335312, gnomAD 0.002%). This variant has not been reported in the literature in individuals affected with C7-related conditions. ClinVar contains an entry for this variant (Variation ID: 1390238). Invitae Evidence Modeling of protein sequence and biophysical properties (such as structural, functional, and spatial information, amino acid conservation, physicochemical variation, residue mobility, and thermodynamic stability) indicates that this missense variant is expected to disrupt C7 protein function with a positive predictive value of 80%. In summary, the available evidence is currently insufficient to determine the role of this variant in disease. Therefore, it has been classified as a Variant of Uncertain Significance.

Ambry Genetics
Classification: Uncertain significance for Inborn genetic diseases. Last evaluated: 2023-12-09. Review status: criteria provided, single submitter. Criteria: Ambry Variant Classification Scheme 2023. Collection method: clinical testing. Allele origin: germline.

NM_000587.4(C7):c.98A>G (p.Tyr33Cys)

Gene: C7 (complement C7; plus strand). Cytogenetic location: 5p13.1.
Variant type: single nucleotide variant.
Coding change: c.98A>G on transcript NM_000587.4 (MANE Select); coding-DNA position 98, A replaced by G.
Protein change: p.Tyr33Cys; replaces tyrosine 33 with cysteine.
Molecular consequence: missense variant.
Genome position (GRCh38, 1-based): chr5:40,931,099, A>G. VCF-style: chr5-40931099-A-G. GRCh37 (hg19) VCF-style: chr5-40931201-A-G.
Other names: c.98A>G (NM_000587.2); short protein forms Y33C.
Identifiers: ClinVar variation 1390238 (VCV001390238.6), dbSNP rs370335312, ClinGen allele CA3249519.